The following is an entry in ClinVar:

ClinVar aggregate classification (germline): Uncertain significance (1 of 4 stars; one submission).

Conditions:
Catecholaminergic polymorphic ventricular tachycardia (CVPT). Also called: Catecholamine-induced polymorphic ventricular tachycardia. Identifiers: Orphanet 3286, MedGen C5574922, MONDO:0017990.

Submission:

All of Us Research Program, National Institutes of Health
Classification: Uncertain significance for Catecholaminergic polymorphic ventricular tachycardia. Last evaluated: 2024-02-05. Review status: criteria provided, single submitter. Criteria: ACMG Guidelines, 2015. Collection method: clinical testing. Allele origin: germline. Inheritance: Autosomal dominant inheritance. Observed: 1 variant allele, 1 heterozygote.
Comment: This missense variant replaces isoleucine with valine at codon 4043 of the RYR2 protein. Computational prediction suggests that this variant may not impact protein structure and function (internally defined REVEL score threshold <= 0.5, PMID: 27666373). To our knowledge, functional studies have not been reported for this variant. This variant has not been reported in individuals affected with RYR2-related disorders in the literature. This variant has not been identified in the general population by the Genome Aggregation Database (gnomAD). The available evidence is insufficient to determine the role of this variant in disease conclusively. Therefore, this variant is classified as a Variant of Uncertain Significance.

This study involves interpretation of variants in research participants for the purpose of population health screening. Participant phenotype was not available at the time of variant classification. Additional details can be found in publication PMID: 35346344, PMCID: PMC8962531

NM_001035.3(RYR2):c.12127A>G (p.Ile4043Val)

Gene: RYR2 (ryanodine receptor 2; plus strand). Cytogenetic location: 1q43.
Variant type: single nucleotide variant.
Coding change: c.12127A>G on transcript NM_001035.3 (MANE Select); coding-DNA position 12127, A replaced by G.
Protein change: p.Ile4043Val; replaces isoleucine 4043 with valine.
Molecular consequence: missense variant.
Genome position (GRCh38, 1-based): chr1:237,783,839, A>G. VCF-style: chr1-237783839-A-G. GRCh37 (hg19) VCF-style: chr1-237947139-A-G.
Other names: short protein forms I4043V.
Identifiers: ClinVar variation 3075466 (VCV003075466.1), dbSNP rs2527776079, ClinGen allele CA345412188.
Genomic context (GRCh38, chr1:237,783,839, plus strand): 5'-CTAAAGGATTTGACGTCGTCTGATACTTTTAAAGAATATGACCCCGATGGCAAGGGAGTC[A>G]TTTCCAAGAGGGACTTCCACAAAGCGATGGAGAGCCATAAGCACTACACGCAGTCAGAAA-3'
Protein context (NP_001026.2, residues 4033-4053): KEYDPDGKGV[Ile4043Val]SKRDFHKAME